The following is an entry in ClinVar:

ClinVar aggregate classification (germline): Likely benign (1 of 4 stars; one submission).

gnomAD v4.1: 2 of 1,614,104 alleles (0.00012%); highest among the groups gnomAD compares: Non-Finnish European, 0.00017%; no homozygotes.

Submission:

CeGaT Center for Human Genetics Tuebingen
Classification: Likely benign. Last evaluated: 2026-01-01. Review status: criteria provided, single submitter. Criteria: CeGaT Center For Human Genetics Tuebingen Variant Classification Criteria Version 2. Collection method: clinical testing. Allele origin: germline. Affected: yes. Observed: 1 variant allele.
Comment: CHRNA2: BP4, BP7

NM_000742.4(CHRNA2):c.456T>C (p.Asp152=)

Gene: CHRNA2 (cholinergic receptor nicotinic alpha 2 subunit; minus strand). Cytogenetic location: 8p21.2.
Variant type: single nucleotide variant.
Coding change: c.456T>C on transcript NM_000742.4 (MANE Select); coding-DNA position 456, T replaced by C.
Protein change: p.Asp152=; no amino-acid change (aspartic acid 152 retained).
Molecular consequence: synonymous variant. On other transcripts: 5 prime UTR variant (2), intron variant (2).
Genome position (GRCh38, 1-based): chr8:27,463,987, A>G on the plus strand (T>C on the coding strand, the complement: CHRNA2 is on the minus strand). VCF-style: chr8-27463987-A-G. GRCh37 (hg19) VCF-style: chr8-27321504-A-G.
Other names: c.411T>C, p.Asp137= (NM_001282455.2); c.-22T>C (NM_001347705.2, NM_001347706.2); c.-12-127T>C (NM_001347708.2); c.-9-130T>C (NM_001347707.2).
Identifiers: ClinVar variation 4821093 (VCV004821093.4).